The following is an entry in ClinVar:

ClinVar aggregate classification (germline): Uncertain significance. Review status: criteria provided, multiple submitters, no conflicts (2 of 4 stars). 2 submissions from 2 submitters: Uncertain significance (2). Last evaluated 2025-12-05.

Conditions:
Brugada syndrome 8 (BRGDA8). Identifiers: Orphanet 130, MedGen C2751083, MONDO:0013148, OMIM 613123.

gnomAD v4.1: 1 of 1,536,684 alleles (0.000065%); highest among the groups gnomAD compares: Non-Finnish European, 0.000087%; no homozygotes.

Submissions (2):

Labcorp Genetics (formerly Invitae), Labcorp
Classification: Uncertain significance for Brugada syndrome 8. Last evaluated: 2025-12-05. Review status: criteria provided, single submitter. Criteria: Invitae Variant Classification Sherloc (09022015). Collection method: clinical testing. Allele origin: germline.
Comment: This sequence change replaces glycine, which is neutral and non-polar, with arginine, which is basic and polar, at codon 1012 of the HCN4 protein (p.Gly1012Arg). This variant is not present in population databases (gnomAD no frequency). This variant has not been reported in the literature in individuals affected with HCN4-related conditions. Invitae Evidence Modeling of protein sequence and biophysical properties (such as structural, functional, and spatial information, amino acid conservation, physicochemical variation, residue mobility, and thermodynamic stability) indicates that this missense variant is not expected to disrupt HCN4 protein function with a negative predictive value of 95%. In summary, the available evidence is currently insufficient to determine the role of this variant in disease. Therefore, it has been classified as a Variant of Uncertain Significance.

Blueprint Genetics
Classification: Uncertain significance. Last evaluated: 2023-06-15. Review status: criteria provided, single submitter. Criteria: ACMG Guidelines, 2015. Collection method: clinical testing. Allele origin: germline.

NM_005477.3(HCN4):c.3034G>C (p.Gly1012Arg)

Gene: HCN4 (hyperpolarization activated cyclic nucleotide gated potassium channel 4; minus strand). Cytogenetic location: 15q24.1.
Variant type: single nucleotide variant.
Coding change: c.3034G>C on transcript NM_005477.3 (MANE Select); coding-DNA position 3034, G replaced by C.
Protein change: p.Gly1012Arg; replaces glycine 1012 with arginine.
Molecular consequence: missense variant.
Genome position (GRCh38, 1-based): chr15:73,323,059, C>G on the plus strand (G>C on the coding strand, the complement: HCN4 is on the minus strand). VCF-style: chr15-73323059-C-G. GRCh37 (hg19) VCF-style: chr15-73615400-C-G.
Other names: short protein forms G1012R.
Identifiers: ClinVar variation 4733643 (VCV004733643.2).